The following is an entry in ClinVar:

NM_000368.5(TSC1):c.792G>A (p.Leu264=)

Gene: TSC1 (TSC complex subunit 1; minus strand). Cytogenetic location: 9q34.13.
Variant type: single nucleotide variant.
Coding change: c.792G>A on transcript NM_000368.5 (MANE Select); coding-DNA position 792, G replaced by A.
Protein change: p.Leu264=; no amino-acid change (leucine 264 retained).
Molecular consequence: synonymous variant.
Genome position (GRCh38, 1-based): chr9:132,912,403, C>T on the plus strand (G>A on the coding strand, the complement: TSC1 is on the minus strand). VCF-style: chr9-132912403-C-T. GRCh37 (hg19) VCF-style: chr9-135787790-C-T.
Other names: c.792G>A, p.Leu264= (NM_001162426.2); c.639G>A, p.Leu213= (NM_001162427.2); c.429G>A, p.Leu143= (NM_001362177.2).
Identifiers: ClinVar variation 534461 (VCV000534461.19), dbSNP rs1257538409, ClinGen allele CA467593591.

ClinVar aggregate classification (germline): Conflicting classifications of pathogenicity. Review status: criteria provided, conflicting classifications (1 of 4 stars). 8 submissions from 8 submitters: Uncertain significance (3); Benign (1); Likely benign (4). Last evaluated 2026-04-29.

Conditions:
Tuberous sclerosis 1 (TSC1). Identifiers: Orphanet 805, MedGen C1854465, MONDO:0008612, OMIM 191100.
Hereditary cancer-predisposing syndrome. Also called: Neoplastic Syndromes, Hereditary; Tumor predisposition; Hereditary Cancer Syndrome; Hereditary neoplastic syndrome. Identifiers: Orphanet 140162, MedGen C0027672, MeSH D009386, MONDO:0015356.
Tuberous sclerosis syndrome (TSC). Also called: Tuberous Sclerosis Complex; Tuberous sclerosis. Identifiers: Orphanet 805, MedGen C0041341, MONDO:0001734.

Allele frequency attached by ClinVar (database versions not stated): gnomAD exomes below 0.00001.
gnomAD v4.1: 3 of 1,614,138 alleles (0.00019%); highest among the groups gnomAD compares: South Asian, 0.0033%; no homozygotes.

Submissions (8):

GeneDx
Classification: Uncertain significance. Last evaluated: 2026-04-29. Review status: criteria provided, single submitter. Criteria: GeneDx Variant Classification Process June 2021. Collection method: clinical testing. Allele origin: germline.
Comment: Has not been previously published as pathogenic or benign to our knowledge; In silico analysis suggests this variant may impact gene splicing. In the absence of RNA/functional studies, the actual effect of this sequence change is unknown.

Labcorp Genetics (formerly Invitae), Labcorp
Classification: Likely benign for Tuberous sclerosis 1. Last evaluated: 2025-07-31. Review status: criteria provided, single submitter. Criteria: Invitae Variant Classification Sherloc (09022015). Collection method: clinical testing. Allele origin: germline.

Myriad Genetics, Inc.
Classification: Benign for Tuberous sclerosis 1. Last evaluated: 2025-04-08. Review status: criteria provided, single submitter. Criteria: Myriad Autosomal Dominant, Autosomal Recessive and X-Linked Classification Criteria (2023). Collection method: clinical testing. Allele origin: unknown.
Comment: This variant is considered benign. This variant is a silent/synonymous amino acid change and it is not expected to impact splicing.

Blueprint Genetics
Classification: Likely benign. Last evaluated: 2024-11-18. Review status: criteria provided, single submitter. Criteria: ACMG Guidelines, 2015. Collection method: clinical testing. Allele origin: germline.

All of Us Research Program, National Institutes of Health
Classification: Likely benign for Tuberous sclerosis syndrome. Last evaluated: 2024-04-16. Review status: criteria provided, single submitter. Criteria: ACMG Guidelines, 2015. Collection method: clinical testing. Allele origin: germline. Inheritance: Autosomal dominant inheritance. Observed: 1 variant allele, 1 heterozygote.
Comment: This study involves interpretation of variants in research participants for the purpose of population health screening. Participant phenotype was not available at the time of variant classification. Additional details can be found in publication PMID: 35346344, PMCID: PMC8962531

Sema4
Classification: Uncertain significance for Hereditary cancer-predisposing syndrome. Last evaluated: 2022-01-03. Review status: criteria provided, single submitter. Criteria: Sema4 Curation Guidelines. Collection method: curation. Allele origin: germline.
Comment: The TSC1 c.792G>A (p.L264=) variant has not been reported in the literature to our knowledge. It was observed in 1/30614 chromosomes of the South Asian subpopulation in the large and broad cohorts of the Genome Aggregation Database (PMID: 32461654). The variant has been reported in ClinVar (Variation ID 534461). In silico tools suggest that the variant may create or strengthen a cryptic splice site, though these predictions have not been confirmed by functional studies. The evidence is insufficient to meet ACMG/AMP criteria for classifying the variant as benign or pathogenic. Thus, the clinical significance of this variant is currently uncertain.

Ambry Genetics
Classification: Likely benign for Hereditary cancer-predisposing syndrome. Last evaluated: 2020-07-01. Review status: criteria provided, single submitter. Criteria: Ambry Variant Classification Scheme 2023. Collection method: clinical testing. Allele origin: germline.

Breakthrough Genomics
Classification: Uncertain significance. Review status: criteria provided, single submitter. Criteria: ACMG Guidelines, 2015. Collection method: not provided. Allele origin: germline. Inheritance: Autosomal dominant inheritance. Affected: yes.